The following is an entry in ClinVar:

NM_001613.4(ACTA2):c.79G>A (p.Asp27Asn)

Gene: ACTA2 (actin alpha 2, smooth muscle; minus strand). Cytogenetic location: 10q23.31.
Variant type: single nucleotide variant.
Coding change: c.79G>A on transcript NM_001613.4 (MANE Select); coding-DNA position 79, G replaced by A.
Protein change: p.Asp27Asn; replaces aspartic acid 27 with asparagine.
Molecular consequence: missense variant.
Genome position (GRCh38, 1-based): chr10:88,948,852, C>T on the plus strand (G>A on the coding strand, the complement: ACTA2 is on the minus strand). VCF-style: chr10-88948852-C-T. GRCh37 (hg19) VCF-style: chr10-90708609-C-T.
Other names: c.79G>A, p.Asp27Asn (NM_001141945.3, NM_001320855.2, NM_001406462.1 and 7 more transcripts); short protein forms D27N.
Identifiers: ClinVar variation 1329101 (VCV001329101.7), dbSNP rs794728020, ClinGen allele CA007036.

ClinVar aggregate classification (germline): Conflicting classifications of pathogenicity. Review status: criteria provided, conflicting classifications (1 of 4 stars). 4 submissions from 4 submitters: Pathogenic (1); Uncertain significance (3). Last evaluated 2025-03-26.

Conditions:
Aortic aneurysm, familial thoracic 6 (AAT6). Also called: FAMILIAL THORACIC AORTIC ANEURYSM WITH LIVEDO RETICULARIS AND IRIS FLOCCULI. Identifiers: MedGen C2673186, MONDO:0012730, OMIM 611788.
Familial thoracic aortic aneurysm and aortic dissection (TAAD). Also called: Thoracic aortic aneurysms and dissections. Identifiers: Orphanet 91387, MedGen C4707243, MONDO:0019625.

Allele frequency attached by ClinVar (database versions not stated): TOPMed below 0.00001.

Submissions (4):

Labcorp Genetics (formerly Invitae), Labcorp
Classification: Uncertain significance for Aortic aneurysm, familial thoracic 6. Last evaluated: 2025-03-26. Review status: criteria provided, single submitter. Criteria: Invitae Variant Classification Sherloc (09022015). Collection method: clinical testing. Allele origin: germline.
Comment: This sequence change replaces aspartic acid, which is acidic and polar, with asparagine, which is neutral and polar, at codon 27 of the ACTA2 protein (p.Asp27Asn). This variant is not present in population databases (gnomAD no frequency). This missense change has been observed in individual(s) with thoracic aortic aneurysm and dissection (PMID: 36517271). ClinVar contains an entry for this variant (Variation ID: 1329101). Invitae Evidence Modeling of protein sequence and biophysical properties (such as structural, functional, and spatial information, amino acid conservation, physicochemical variation, residue mobility, and thermodynamic stability) indicates that this missense variant is not expected to disrupt ACTA2 protein function with a negative predictive value of 80%. This variant disrupts the p.Asp27 amino acid residue in ACTA2. Other variant(s) that disrupt this residue have been observed in individuals with ACTA2-related conditions (PMID: 27146836), which suggests that this may be a clinically significant amino acid residue. In summary, the available evidence is currently insufficient to determine the role of this variant in disease. Therefore, it has been classified as a Variant of Uncertain Significance.

Clinical Genetics Unit, University of Padua
Classification: Pathogenic for Aortic aneurysm, familial thoracic 6. Last evaluated: 2024-03-15. Review status: criteria provided, single submitter. Criteria: ACMG Guidelines, 2015. Collection method: clinical testing, in vivo. Allele origin: inherited, not applicable. Affected: yes. Observed: 3 variant alleles. Clinical features observed: Thoracic aortic aneurysm (HP:0012727). Functional consequence: dominant negative variant.
Comment: ACTA2 is part of ACMG SF v3.3 genes recommended for return as secondary findings from clinical exome and genome sequencing (PMID: 40568962). Our study in yeast (PMID: 38486025) provides functional evidences for pathogenicity of the NM_001613.2:c.79G > A p.(Asp27Asn) variant.

All of Us Research Program, National Institutes of Health
Classification: Uncertain significance for Familial thoracic aortic aneurysm and aortic dissection. Last evaluated: 2023-07-10. Review status: criteria provided, single submitter. Criteria: ACMG Guidelines, 2015. Collection method: clinical testing. Allele origin: germline. Inheritance: Autosomal dominant inheritance. Observed: 1 variant allele, 1 heterozygote.
Comment: This missense variant replaces aspartic acid with asparagine at codon 27 of the ACTA2 protein. Computational prediction is inconclusive regarding the impact of this variant on protein structure and function (internally defined REVEL score threshold 0.5 < inconclusive < 0.7, PMID: 27666373). To our knowledge, functional studies have not been reported for this variant. This variant has been reported in an individual affected with thoracic aortic disease (PMID: 37042257). This variant has not been identified in the general population by the Genome Aggregation Database (gnomAD). The available evidence is insufficient to determine the role of this variant in disease conclusively. Therefore, this variant is classified as a Variant of Uncertain Significance.

This study involves interpretation of variants in research participants for the purpose of population health screening. Participant phenotype was not available at the time of variant classification. Additional details can be found in publication PMID: 35346344, PMCID: PMC8962531

CHEO Genetics Diagnostic Laboratory, Children's Hospital of Eastern Ontario
Classification: Uncertain significance for Familial thoracic aortic aneurysm and aortic dissection. Last evaluated: 2020-05-05. Review status: criteria provided, single submitter. Criteria: ACMG Guidelines, 2015. Collection method: clinical testing. Allele origin: germline.

Literature cited by the submitters: PubMed 36517271 (cited by Labcorp Genetics (formerly Invitae), Labcorp); PubMed 27146836 (cited by Labcorp Genetics (formerly Invitae), Labcorp); PubMed 40568962 (cited by Clinical Genetics Unit, University of Padua); PubMed 17994018 (cited by Clinical Genetics Unit, University of Padua); PubMed 37042257 (cited by All of Us Research Program, National Institutes of Health).